The following is an entry in ClinVar:

NM_018706.7(DHTKD1):c.337G>C (p.Ala113Pro)

Gene: DHTKD1 (dehydrogenase E1 and transketolase domain containing 1; plus strand). Cytogenetic location: 10p14.
Variant type: single nucleotide variant.
Coding change: c.337G>C on transcript NM_018706.7 (MANE Select); coding-DNA position 337, G replaced by C.
Protein change: p.Ala113Pro; replaces alanine 113 with proline.
Molecular consequence: missense variant.
Genome position (GRCh38, 1-based): chr10:12,084,566, G>C. VCF-style: chr10-12084566-G-C. GRCh37 (hg19) VCF-style: chr10-12126565-G-C.
Other names: short protein forms A113P.
Identifiers: ClinVar variation 2609698 (VCV002609698.3), dbSNP rs200967740, ClinGen allele CA5407523.

ClinVar aggregate classification (germline): Uncertain significance. Review status: criteria provided, multiple submitters, no conflicts (2 of 4 stars). 2 submissions from 2 submitters: Uncertain significance (2). Last evaluated 2024-07-29.

Conditions:
Inborn genetic diseases. Identifiers: MedGen C0950123, MeSH D030342.
2-aminoadipic 2-oxoadipic aciduria (AAKAD). Also called: Aminoadipic aciduria; ALPHA-AMINOADIPIC AND ALPHA-KETOADIPIC ACIDURIA. Identifiers: Orphanet 79154, MedGen C1859817, MONDO:0008774, OMIM 204750.

Allele frequency attached by ClinVar (database versions not stated): gnomAD 0.00001; 1000 Genomes Project 30x 0.00016; 1000 Genomes Project 0.00020.
gnomAD v4.1: 10 of 1,611,476 alleles (0.00062%); highest among the groups gnomAD compares: East Asian, 0.0022%; no homozygotes.

Submissions (2):

Labcorp Genetics (formerly Invitae), Labcorp
Classification: Uncertain significance for 2-aminoadipic 2-oxoadipic aciduria. Last evaluated: 2024-07-29. Review status: criteria provided, single submitter. Criteria: Invitae Variant Classification Sherloc (09022015). Collection method: clinical testing. Allele origin: germline.
Comment: This sequence change replaces alanine, which is neutral and non-polar, with proline, which is neutral and non-polar, at codon 113 of the DHTKD1 protein (p.Ala113Pro). This variant is present in population databases (rs200967740, gnomAD 0.0009%). This variant has not been reported in the literature in individuals affected with DHTKD1-related conditions. ClinVar contains an entry for this variant (Variation ID: 2609698). Advanced modeling of protein sequence and biophysical properties (such as structural, functional, and spatial information, amino acid conservation, physicochemical variation, residue mobility, and thermodynamic stability) performed at Invitae indicates that this missense variant is not expected to disrupt DHTKD1 protein function with a negative predictive value of 80%. In summary, the available evidence is currently insufficient to determine the role of this variant in disease. Therefore, it has been classified as a Variant of Uncertain Significance.

Ambry Genetics
Classification: Uncertain significance for Inborn genetic diseases. Last evaluated: 2023-07-05. Review status: criteria provided, single submitter. Criteria: Ambry General Variant Classification Scheme_2022. Collection method: clinical testing. Allele origin: germline.